The following is an entry in ClinVar:

ClinVar aggregate classification (germline): Uncertain significance (1 of 4 stars; one submission).

Conditions:
Inborn genetic diseases. Identifiers: MedGen C0950123, MeSH D030342.

gnomAD v4.1: 19 of 1,613,880 alleles (0.0012%); no homozygotes.

Submission:

Ambry Genetics
Classification: Uncertain significance for Inborn genetic diseases. Last evaluated: 2026-04-11. Review status: criteria provided, single submitter. Criteria: Ambry Variant Classification Scheme 2023. Collection method: clinical testing. Allele origin: germline.
Comment: The p.E658D variant (also known as c.1974G>C), located in coding exon 18 of the ANKRD26 gene, results from a G to C substitution at nucleotide position 1974. The glutamic acid at codon 658 is replaced by aspartic acid, an amino acid with highly similar properties. This amino acid position is conserved. In addition, this alteration is predicted to be tolerated by in silico analysis. Based on the available evidence, the clinical significance of this variant remains unclear.

NM_014915.3(ANKRD26):c.1974G>C (p.Glu658Asp)

Gene: ANKRD26 (ankyrin repeat domain 26; minus strand). Cytogenetic location: 10p12.1.
Variant type: single nucleotide variant.
Coding change: c.1974G>C on transcript NM_014915.3 (MANE Select); coding-DNA position 1974, G replaced by C.
Protein change: p.Glu658Asp; replaces glutamic acid 658 with aspartic acid.
Molecular consequence: missense variant.
Genome position (GRCh38, 1-based): chr10:27,046,364, C>G on the plus strand (G>C on the coding strand, the complement: ANKRD26 is on the minus strand). VCF-style: chr10-27046364-C-G. GRCh37 (hg19) VCF-style: chr10-27335293-C-G.
Other names: c.1971G>C, p.Glu657Asp (NM_001256053.2); short protein forms E657D, E658D.
Identifiers: ClinVar variation 4858972 (VCV004858972.1).